The following is an entry in ClinVar:

ClinVar aggregate classification (germline): Uncertain significance (1 of 4 stars; one submission).

Submission:

Ambry Genetics
Classification: Uncertain significance. Last evaluated: 2026-06-27. Review status: criteria provided, single submitter. Criteria: Ambry Variant Classification Scheme 2023. Collection method: clinical testing. Allele origin: germline.
Comment: The p.L550R variant (also known as c.1649T>G), located in coding exon 12 of the RECQL gene, results from a T to G substitution at nucleotide position 1649. The leucine at codon 550 is replaced by arginine, an amino acid with dissimilar properties. This amino acid position is conserved. In addition, the in silico prediction for this alteration is inconclusive. Based on the available evidence, the clinical significance of this variant remains unclear.

NM_002907.4(RECQL):c.1649T>G (p.Leu550Arg)

Gene: RECQL (RecQ like helicase; minus strand). Cytogenetic location: 12p12.1.
Variant type: single nucleotide variant.
Coding change: c.1649T>G on transcript NM_002907.4 (MANE Select); coding-DNA position 1649, T replaced by G.
Protein change: p.Leu550Arg; replaces leucine 550 with arginine.
Molecular consequence: missense variant.
Genome position (GRCh38, 1-based): chr12:21,471,446, A>C on the plus strand (T>G on the coding strand, the complement: RECQL is on the minus strand). VCF-style: chr12-21471446-A-C. GRCh37 (hg19) VCF-style: chr12-21624380-A-C.
Other names: c.1649T>G, p.Leu550Arg (NM_032941.3); short protein forms L550R.
Identifiers: ClinVar variation 5028041 (VCV005028041.1).